The following is an entry in ClinVar:

NM_001282426.2(PIK3CG):c.177G>C (p.Leu59=)

Gene: PIK3CG (phosphatidylinositol-4,5-bisphosphate 3-kinase catalytic subunit gamma; plus strand). Cytogenetic location: 7q22.3.
Variant type: single nucleotide variant.
Coding change: c.177G>C on transcript NM_001282426.2 (MANE Select); coding-DNA position 177, G replaced by C.
Protein change: p.Leu59=; no amino-acid change (leucine 59 retained).
Molecular consequence: synonymous variant.
Genome position (GRCh38, 1-based): chr7:106,867,738, G>C. VCF-style: chr7-106867738-G-C. GRCh37 (hg19) VCF-style: chr7-106508183-G-C.
Other names: c.177G>C, p.Leu59= (NM_001282427.2, NM_002649.3).
Identifiers: ClinVar variation 2657924 (VCV002657924.24), dbSNP rs781579211, ClinGen allele CA4429098.

ClinVar aggregate classification (germline): Likely benign (1 of 4 stars; one submission).

Allele frequency attached by ClinVar (database versions not stated): ExAC 0.00001; gnomAD exomes 0.00001; TOPMed 0.00001.
gnomAD v4.1: 9 of 1,613,018 alleles (0.00056%); highest among the groups gnomAD compares: Middle Eastern, 0.017%; no homozygotes.

Submission:

CeGaT Center for Human Genetics Tuebingen
Classification: Likely benign. Last evaluated: 2026-05-01. Review status: criteria provided, single submitter. Criteria: CeGaT Center For Human Genetics Tuebingen Variant Classification Criteria Version 2. Collection method: clinical testing. Allele origin: germline. Affected: yes. Observed: 2 variant alleles.
Comment: PIK3CG: BP4, BP7